The following is an entry in ClinVar:

NM_000138.5(FBN1):c.1187del (p.Pro396fs)

Gene: FBN1 (fibrillin 1; minus strand). Cytogenetic location: 15q21.1.
Variant type: Deletion.
Coding change: c.1187del on transcript NM_000138.5 (MANE Select); coding-DNA position 1187, one base deleted (C; older notation c.1187delC).
Protein change: p.Pro396fs; shifts the reading frame from proline 396.
Molecular consequence: frameshift variant.
Genome position (GRCh38, 1-based): chr15:48,516,323, G deleted on the plus strand (C on the coding strand, the reverse complement: FBN1 is on the minus strand); the first of 2 consecutive G bases (chr15:48,516,323-48,516,324); deleting either gives the same sequence. VCF-style (leftmost placement, unchanged base first): chr15-48516322-AG-A. GRCh37 (hg19) VCF-style: chr15-48808519-AG-A.
Other names: c.1187del, p.Pro396fs (NM_001406716.1); c.1187delC (NM_000138.4); short protein forms P396fs.
Identifiers: ClinVar variation 3230406 (VCV003230406.1), dbSNP rs2505619872, ClinGen allele CA2825002269.

ClinVar aggregate classification (germline): Pathogenic (1 of 4 stars; one submission).

Conditions:
Familial thoracic aortic aneurysm and aortic dissection (TAAD). Also called: Thoracic aortic aneurysms and dissections. Identifiers: Orphanet 91387, MedGen C4707243, MONDO:0019625.

Submission:

Ambry Genetics
Classification: Pathogenic for Familial thoracic aortic aneurysm and aortic dissection. Last evaluated: 2024-01-09. Review status: criteria provided, single submitter. Criteria: Ambry Variant Classification Scheme 2023. Collection method: clinical testing. Allele origin: germline.
Comment: The c.1187delC pathogenic mutation, located in coding exon 10 of the FBN1 gene, results from a deletion of one nucleotide at nucleotide position 1187, causing a translational frameshift with a predicted alternate stop codon (p.P396Lfs*52). This variant is considered to be rare based on population cohorts in the Genome Aggregation Database (gnomAD). This alteration is expected to result in loss of function by premature protein truncation or nonsense-mediated mRNA decay. As such, this alteration is interpreted as a disease-causing mutation.